The following is an entry in ClinVar:

ClinVar aggregate classification (germline): Uncertain significance (1 of 4 stars; one submission).

Conditions:
Hypertrophic cardiomyopathy. Also called: HYPERTROPHIC MYOCARDIOPATHY. Identifiers: Orphanet 217569, MedGen C0007194, MeSH D002312, MONDO:0005045, HP:0001639.

Submission:

Labcorp Genetics (formerly Invitae), Labcorp
Classification: Uncertain significance for Hypertrophic cardiomyopathy. Last evaluated: 2020-10-19. Review status: criteria provided, single submitter. Criteria: Invitae Variant Classification Sherloc (09022015). Collection method: clinical testing. Allele origin: germline.
Comment: Algorithms developed to predict the effect of missense changes on protein structure and function are either unavailable or do not agree on the potential impact of this missense change (SIFT: "Deleterious"; PolyPhen-2: "Probably Damaging"; Align-GVGD: "Class C0"). This variant has not been reported in the literature in individuals with MYH7-related conditions. This variant is not present in population databases (ExAC no frequency). This sequence change replaces leucine with proline at codon 16 of the MYH7 protein (p.Leu16Pro). The leucine residue is highly conserved and there is a moderate physicochemical difference between leucine and proline. In summary, the available evidence is currently insufficient to determine the role of this variant in disease. Therefore, it has been classified as a Variant of Uncertain Significance.

NM_000257.4(MYH7):c.47T>C (p.Leu16Pro)

Gene: MYH7 (myosin heavy chain 7; minus strand). Cytogenetic location: 14q11.2.
Variant type: single nucleotide variant.
Coding change: c.47T>C on transcript NM_000257.4 (MANE Select); coding-DNA position 47, T replaced by C.
Protein change: p.Leu16Pro; replaces leucine 16 with proline.
Molecular consequence: missense variant.
Genome position (GRCh38, 1-based): chr14:23,433,686, A>G on the plus strand (T>C on the coding strand, the complement: MYH7 is on the minus strand). VCF-style: chr14-23433686-A-G. GRCh37 (hg19) VCF-style: chr14-23902895-A-G.
Other names: short protein forms L16P.
Identifiers: ClinVar variation 934390 (VCV000934390.9), dbSNP rs1893041022, ClinGen allele CA389054103.
Genomic context (GRCh38, chr14:23,433,686, plus strand): 5'-TCCTTCTTGAGGTCAAAAGGCCTGGTCTGCGCTTCTAGCCGCTCCTTCTCTGACTTGCGC[A>G]GGTAGGGGGCGGCAGCCCCAAAGACTGCCATCTCCGAATCTCCCATGGCTGTGCCTGGAG-3'
Protein context (NP_000248.2, residues 6-26): MAVFGAAAPY[Leu16Pro]RKSEKERLEA